The following is an entry in ClinVar:

NM_001004356.3(FGFRL1):c.1107G>C (p.Ser369=)

Gene: FGFRL1 (fibroblast growth factor receptor like 1; plus strand). Cytogenetic location: 4p16.3.
Variant type: single nucleotide variant.
Coding change: c.1107G>C on transcript NM_001004356.3 (MANE Select); coding-DNA position 1107, G replaced by C.
Protein change: p.Ser369=; no amino-acid change (serine 369 retained).
Molecular consequence: synonymous variant.
Genome position (GRCh38, 1-based): chr4:1,024,939, G>C. VCF-style: chr4-1024939-G-C. GRCh37 (hg19) VCF-style: chr4-1018727-G-C.
Other names: c.1107G>C, p.Ser369= (NM_001004358.1, NM_001370296.1, NM_021923.3).
Identifiers: ClinVar variation 5041545 (VCV005041545.1).
Genomic context (GRCh38, chr4:1,024,939, plus strand): 5'-TACCTCCTTTCCTCTCGCTCTTGCAGACCCAAAACCGCCAGGGCCACCTGTGGCCTCCTC[G>C]TCCTCGGCCACTAGCCTGCCGTGGCCCGTGGTCATCGGCATCCCAGCCGGCGCTGTCTTC-3'
Protein context (NP_001004356.1, residues 359-379): PKPPGPPVAS[Ser369=]SSATSLPWPV

ClinVar aggregate classification (germline): Likely benign (1 of 4 stars; one submission).

gnomAD v4.1: 1 of 1,602,590 alleles (0.000062%); highest among the groups gnomAD compares: Non-Finnish European, 0.000085%; no homozygotes.

Submission:

CeGaT Center for Human Genetics Tuebingen
Classification: Likely benign. Last evaluated: 2026-09-01. Review status: criteria provided, single submitter. Criteria: CeGaT Center For Human Genetics Tuebingen Variant Classification Criteria Version 2. Collection method: clinical testing. Allele origin: germline. Affected: yes. Observed: 1 variant allele.
Comment: FGFRL1: BP4, BP7